The following is an entry in ClinVar:

NM_012330.4(KAT6B):c.2686G>A (p.Asp896Asn)

Gene: KAT6B (lysine acetyltransferase 6B; plus strand). Cytogenetic location: 10q22.2.
Variant type: single nucleotide variant.
Coding change: c.2686G>A on transcript NM_012330.4 (MANE Select); coding-DNA position 2686, G replaced by A.
Protein change: p.Asp896Asn; replaces aspartic acid 896 with asparagine.
Molecular consequence: missense variant.
Genome position (GRCh38, 1-based): chr10:75,020,638, G>A. VCF-style: chr10-75020638-G-A. GRCh37 (hg19) VCF-style: chr10-76780396-G-A.
Other names: c.2137G>A, p.Asp713Asn (NM_001256468.2, NM_001370138.1); c.1810G>A, p.Asp604Asn (NM_001256469.2, NM_001370139.1, NM_001370140.1 and 2 more transcripts); c.1648G>A, p.Asp550Asn (NM_001370132.1); c.997G>A, p.Asp333Asn (NM_001370133.1); c.601G>A, p.Asp201Asn (NM_001370134.1); c.343G>A, p.Asp115Asn (NM_001370135.1); c.2686G>A, p.Asp896Asn (NM_001370136.1, NM_001370137.1); c.1621G>A, p.Asp541Asn (NM_001370143.1, NM_001370144.1); short protein forms D333N, D896N, D115N, D201N, D541N, D550N, D713N, D604N.
Identifiers: ClinVar variation 2170930 (VCV002170930.4), dbSNP rs779250787, ClinGen allele CA5564641.

ClinVar aggregate classification (germline): Uncertain significance (1 of 4 stars; one submission).

Conditions:
Genitopatellar syndrome (GTPTS). Also called: Genitopatellar syndrome (GPS); ABSENT PATELLAE, SCROTAL HYPOPLASIA, RENAL ANOMALIES, FACIAL DYSMORPHISM, AND MENTAL RETARDATION. Identifiers: Orphanet 85201, MedGen C1853566, MONDO:0011640, OMIM 606170.

Allele frequency attached by ClinVar (database versions not stated): ExAC 0.00001; TOPMed 0.00001.
gnomAD v4.1: 15 of 1,614,194 alleles (0.00093%); highest among the groups gnomAD compares: South Asian, 0.0033%; no homozygotes.

Submission:

Labcorp Genetics (formerly Invitae), Labcorp
Classification: Uncertain significance for Genitopatellar syndrome. Last evaluated: 2025-05-25. Review status: criteria provided, single submitter. Criteria: Invitae Variant Classification Sherloc (09022015). Collection method: clinical testing. Allele origin: germline.
Comment: This sequence change replaces aspartic acid, which is acidic and polar, with asparagine, which is neutral and polar, at codon 896 of the KAT6B protein (p.Asp896Asn). This variant is present in population databases (rs779250787, gnomAD 0.004%). This variant has not been reported in the literature in individuals affected with KAT6B-related conditions. ClinVar contains an entry for this variant (Variation ID: 2170930). Invitae Evidence Modeling of protein sequence and biophysical properties (such as structural, functional, and spatial information, amino acid conservation, physicochemical variation, residue mobility, and thermodynamic stability) has been performed for this missense variant. However, the output from this modeling did not meet the statistical confidence thresholds required to predict the impact of this variant on KAT6B protein function. In summary, the available evidence is currently insufficient to determine the role of this variant in disease. Therefore, it has been classified as a Variant of Uncertain Significance.